The following is an entry in ClinVar:

ClinVar aggregate classification (germline): Pathogenic/Likely pathogenic. Review status: criteria provided, multiple submitters, no conflicts (2 of 4 stars). 7 submissions from 7 submitters: Pathogenic (4); Likely pathogenic (1). 2 of the submissions do not count toward it. Last evaluated 2026-07-14.

Conditions:
Achromatopsia 2 (ACHM2). Also called: COLORBLINDNESS, TOTAL; ROD MONOCHROMACY 2; ROD MONOCHROMATISM 2. Identifiers: Orphanet 49382, MedGen C1857618, MONDO:0009003, OMIM 216900.
CNGA3-related disorders.
Achromatopsia. Also called: Rod monochromatism. Identifiers: Orphanet 49382, MedGen C0152200, MONDO:0018852, HP:0011516.

Submissions (7):

Department of Molecular Genetics, Istishari Arab Hospital
Classification: Pathogenic for Achromatopsia 2. Last evaluated: 2026-07-14. Review status: criteria provided, single submitter. Criteria: ACMG Guidelines, 2015. Collection method: clinical testing. Allele origin: germline. Inheritance: Autosomal recessive inheritance. Affected: yes.
Comment: The CNGA3 variant c.940_942del p.Ile314del results in the deletion of 1 amino acid of the CNGA3 protein, but otherwise preserves the integrity of the reading frame. This variant was observed with very low frequency in the gnomAD v4.1.0 dataset (<0.001). This variant was previously detected in patients with Achromatopsia 2 (PMID: 11536077‚ 24676353‚ 25616768‚ 28159970‚ 30682209). It is classified as pathogenic according to the recommendations of ACMG/AMP/ClinGen SVI guidelines.

GeneDx
Classification: Pathogenic. Last evaluated: 2026-01-22. Review status: criteria provided, single submitter. Criteria: GeneDx Variant Classification Process June 2021. Collection method: clinical testing. Allele origin: germline.
Comment: In-frame deletion of one amino acid in a non-repeat region; In silico analysis supports a deleterious effect on protein structure/function; This variant is associated with the following publications: (PMID: 35260635, 31964843, 29706639, 11536077, 28159970, 30682209, 31456290, 35119454, 35332618, 32352493, 34703197, 24676353, 38753338, 25616768, 37798099, 39062705)

Labcorp Genetics (formerly Invitae), Labcorp
Classification: Pathogenic. Last evaluated: 2025-12-19. Review status: criteria provided, single submitter. Criteria: Invitae Variant Classification Sherloc (09022015). Collection method: clinical testing. Allele origin: germline.
Comment: This variant, c.940_942del, results in the deletion of 1 amino acid(s) of the CNGA3 protein (p.Ile314del), but otherwise preserves the integrity of the reading frame. This variant is present in population databases (rs777878533, gnomAD 0.009%). This variant has been observed in individual(s) with achromatopsia (PMID: 11536077, 24676353, 25616768, 28159970, 30682209). In at least one individual the data is consistent with being in trans (on the opposite chromosome) from a pathogenic variant. This variant is also known as Ile312del. ClinVar contains an entry for this variant (Variation ID: 635158). Experimental studies and prediction algorithms are not available or were not evaluated, and the functional significance of this variant is currently unknown. For these reasons, this variant has been classified as Pathogenic.

Fulgent Genetics
Classification: Likely pathogenic for Achromatopsia 2. Last evaluated: 2024-02-26. Review status: criteria provided, single submitter. Criteria: ACMG Guidelines, 2015. Collection method: clinical testing. Allele origin: germline.

Blueprint Genetics
Classification: Pathogenic for CNGA3-related disorders. Last evaluated: 2022-09-05. Review status: criteria provided, single submitter. Criteria: ACMG Guidelines, 2015. Collection method: clinical testing. Allele origin: germline. Affected: yes. Observed: 5 variant alleles.

Sharon lab, Hadassah-Hebrew University Medical Center
Classification: Pathogenic for achromatopsia. Last evaluated: 2019-06-23. Review status: no assertion criteria provided. Collection method: research. Allele origin: inherited. Affected: yes. Not counted in ClinVar's aggregate classification.

Molecular Genetics Laboratory, Institute for Ophthalmic Research
Classification: Likely pathogenic for Achromatopsia. Last evaluated: 2017-12-13. Review status: no assertion criteria provided. Collection method: research. Allele origin: inherited. Affected: yes. Not counted in ClinVar's aggregate classification.

Literature cited by the submitters: PubMed 11536077 (cited by Department of Molecular Genetics, Istishari Arab Hospital and Labcorp Genetics (formerly Invitae), Labcorp); PubMed 24676353 (cited by Department of Molecular Genetics, Istishari Arab Hospital and Labcorp Genetics (formerly Invitae), Labcorp); PubMed 25616768 (cited by Department of Molecular Genetics, Istishari Arab Hospital and Labcorp Genetics (formerly Invitae), Labcorp); PubMed 28159970 (cited by Department of Molecular Genetics, Istishari Arab Hospital and Labcorp Genetics (formerly Invitae), Labcorp); PubMed 30682209 (cited by Department of Molecular Genetics, Istishari Arab Hospital and Labcorp Genetics (formerly Invitae), Labcorp).

NM_001298.3(CNGA3):c.934ATC[2] (p.Ile314del)

Gene: CNGA3 (cyclic nucleotide gated channel subunit alpha 3; plus strand). Cytogenetic location: 2q11.2.
Variant type: Microsatellite.
Coding change: c.934ATC[2] on transcript NM_001298.3 (MANE Select); two copies in a row of the 3-base unit ATC starting at c.934; the reference has three copies in a row; one copy, 3 bases deleted; also written c.940_942del.
Protein change: p.Ile314del; deletes isoleucine 314.
Molecular consequence: inframe deletion.
Genome position (GRCh38, 1-based): chr2:98,396,110-98,396,112, ATC deleted; deleting any 3 consecutive bases within chr2:98,396,102-98,396,112 gives the same sequence; the position shown is the placement nearest the transcript's 3' end. VCF-style (leftmost placement, unchanged base first): chr2-98396101-CTCA-C. GRCh37 (hg19) VCF-style: chr2-99012564-CTCA-C.
Other names: p.Ile314del; c.940_942delATC (NM_001298.2); c.880ATC[2], p.Ile296del (NM_001079878.2); c.940_942del (NM_001298.3); short protein forms I296del, I314del.
Identifiers: ClinVar variation 635158 (VCV000635158.15), dbSNP rs777878533, ClinGen allele CA1793922.